The following is an entry in ClinVar:

ClinVar aggregate classification (germline): Uncertain significance (1 of 4 stars; one submission).

Allele frequency attached by ClinVar (database versions not stated): gnomAD exomes below 0.00001.
gnomAD v4.1: 3 of 1,614,186 alleles (0.00019%); highest among the groups gnomAD compares: African/African-American, 0.0027%; no homozygotes.

Submission:

Labcorp Genetics (formerly Invitae), Labcorp
Classification: Uncertain significance. Last evaluated: 2022-03-10. Review status: criteria provided, single submitter. Criteria: Invitae Variant Classification Sherloc (09022015). Collection method: clinical testing. Allele origin: germline.
Comment: In summary, the available evidence is currently insufficient to determine the role of this variant in disease. Therefore, it has been classified as a Variant of Uncertain Significance. Algorithms developed to predict the effect of missense changes on protein structure and function (SIFT, PolyPhen-2, Align-GVGD) all suggest that this variant is likely to be disruptive. This variant has not been reported in the literature in individuals affected with TSPEAR-related conditions. This variant is not present in population databases (gnomAD no frequency). This sequence change replaces alanine, which is neutral and non-polar, with valine, which is neutral and non-polar, at codon 424 of the TSPEAR protein (p.Ala424Val).

NM_144991.3(TSPEAR):c.1271C>T (p.Ala424Val)

Gene: TSPEAR (thrombospondin type laminin G domain and EAR repeats; minus strand). Cytogenetic location: 21q22.3.
Variant type: single nucleotide variant.
Coding change: c.1271C>T on transcript NM_144991.3 (MANE Select); coding-DNA position 1271, C replaced by T.
Protein change: p.Ala424Val; replaces alanine 424 with valine.
Molecular consequence: missense variant.
Genome position (GRCh38, 1-based): chr21:44,525,718, G>A on the plus strand (C>T on the coding strand, the complement: TSPEAR is on the minus strand). VCF-style: chr21-44525718-G-A. GRCh37 (hg19) VCF-style: chr21-45945601-G-A.
Other names: c.1067C>T, p.Ala356Val (NM_001272037.2); short protein forms A356V, A424V.
Identifiers: ClinVar variation 1378501 (VCV001378501.8), dbSNP rs2145970806, ClinGen allele CA410439350.